The following is an entry in ClinVar:

ClinVar aggregate classification (germline): Likely benign (0 of 4 stars; one submission).

Conditions:
CREBBP-related disorder. Also called: CREBBP-related condition; CREBBP-related disorders.

gnomAD v4.1: 11 of 1,614,060 alleles (0.00068%); highest among the groups gnomAD compares: African/African-American, 0.0013%; no homozygotes.

Submission:

PreventionGenetics, part of Exact Sciences
Classification: Likely benign for CREBBP-related condition. Last evaluated: 2022-02-17. Review status: no assertion criteria provided. Collection method: clinical testing. Allele origin: germline.
Comment: This variant is classified as likely benign based on ACMG/AMP sequence variant interpretation guidelines (Richards et al. 2015 PMID: 25741868, with internal and published modifications).

NM_004380.3(CREBBP):c.321G>A (p.Pro107=)

Gene: CREBBP (CREB binding lysine acetyltransferase; minus strand). Cytogenetic location: 16p13.3.
Variant type: single nucleotide variant.
Coding change: c.321G>A on transcript NM_004380.3 (MANE Select); coding-DNA position 321, G replaced by A.
Protein change: p.Pro107=; no amino-acid change (proline 107 retained).
Molecular consequence: synonymous variant.
Genome position (GRCh38, 1-based): chr16:3,850,774, C>T on the plus strand (G>A on the coding strand, the complement: CREBBP is on the minus strand). VCF-style: chr16-3850774-C-T. GRCh37 (hg19) VCF-style: chr16-3900775-C-T.
Other names: c.321G>A, p.Pro107= (NM_001079846.1).
Identifiers: ClinVar variation 3355076 (VCV003355076.1).